The following is an entry in ClinVar:

ClinVar aggregate classification (germline): Uncertain significance (1 of 4 stars; one submission).

Submission:

GeneDx
Classification: Uncertain significance. Last evaluated: 2025-07-10. Review status: criteria provided, single submitter. Criteria: GeneDx Variant Classification Process June 2021. Collection method: clinical testing. Allele origin: germline. Affected: yes.
Comment: Not observed at significant frequency in large population cohorts (gnomAD); In silico analysis supports that this missense variant has a deleterious effect on protein structure/function; Has not been previously published as pathogenic or benign to our knowledge

NM_181672.3(OGT):c.2980C>T (p.Arg994Cys)

Gene: OGT (O-linked N-acetylglucosamine (GlcNAc) transferase; plus strand). Cytogenetic location: Xq13.1.
Variant type: single nucleotide variant.
Coding change: c.2980C>T on transcript NM_181672.3 (MANE Select); coding-DNA position 2980, C replaced by T.
Protein change: p.Arg994Cys; replaces arginine 994 with cysteine.
Molecular consequence: missense variant.
Genome position (GRCh38, 1-based): chrX:71,573,633, C>T. VCF-style: chrX-71573633-C-T. GRCh37 (hg19) VCF-style: chrX-70793483-C-T.
Other names: c.2950C>T, p.Arg984Cys (NM_181673.3); short protein forms R984C, R994C.
Identifiers: ClinVar variation 1712178 (VCV001712178.5), dbSNP rs2522869368, ClinGen allele CA413526439.
Genomic context (GRCh38, chrX:71,573,633, plus strand): 5'-GTTTCTGCTCTGATTTGTAAACTGGGTTCTTGTTTTTTATTACCCAGCCTGAAGAAAGTT[C>T]GTGGCAAAGTCTGGAAGCAAAGAATATCTAGCCCTCTGTTCAACACCAAACAATACACAA-3'
Protein context (NP_858058.1, residues 984-1004): GTDLEYLKKV[Arg994Cys]GKVWKQRISS